The following is an entry in ClinVar:

ClinVar aggregate classification (germline): Benign. Review status: criteria provided, multiple submitters, no conflicts (2 of 4 stars). 2 submissions from 2 submitters: Benign (2). Last evaluated 2025-05-20.

Conditions:
VSX1-related disorder. Also called: VSX1-related condition.

Allele frequency attached by ClinVar (database versions not stated): gnomAD 0.00031; TOPMed 0.00044; ExAC 0.00079; 1000 Genomes Project 30x 0.00172; 1000 Genomes Project 0.00180.
gnomAD v4.1: 312 of 1,538,280 alleles (0.02%); highest among the groups gnomAD compares: East Asian, 0.65%; 3 homozygotes.

Submissions (2):

PreventionGenetics, part of Exact Sciences
Classification: Benign for VSX1-related condition. Last evaluated: 2025-05-20. Review status: criteria provided, single submitter. Criteria: ACMG Guidelines, 2015. Collection method: clinical testing. Allele origin: germline.
Comment: This variant is classified as benign based on ACMG/AMP sequence variant interpretation guidelines (Richards et al. 2015 PMID: 25741868, with internal and published modifications).

Labcorp Genetics (formerly Invitae), Labcorp
Classification: Benign. Last evaluated: 2023-10-05. Review status: criteria provided, single submitter. Criteria: Invitae Variant Classification Sherloc (09022015). Collection method: clinical testing. Allele origin: germline.

NM_014588.6(VSX1):c.49C>G (p.Leu17Val)

Gene: VSX1 (visual system homeobox 1; minus strand). Cytogenetic location: 20p11.21.
Variant type: single nucleotide variant.
Coding change: c.49C>G on transcript NM_014588.6 (MANE Select); coding-DNA position 49, C replaced by G.
Protein change: p.Leu17Val; replaces leucine 17 with valine.
Molecular consequence: missense variant. On other transcripts: non-coding transcript variant (2).
Genome position (GRCh38, 1-based): chr20:25,082,048, G>C on the plus strand (C>G on the coding strand, the complement: VSX1 is on the minus strand). VCF-style: chr20-25082048-G-C. GRCh37 (hg19) VCF-style: chr20-25062684-G-C.
Other names: c.49C>G, p.Leu17Val (NM_001256271.2, NM_001256272.2, NM_199425.3); c.49C>G (NM_014588.5); short protein forms L17V.
Identifiers: ClinVar variation 2907242 (VCV002907242.4), dbSNP rs532393597, ClinGen allele CA9793707.